The following is an entry in ClinVar:

NM_001114753.3(ENG):c.1157del (p.Gly386fs)

Genes: ENG (endoglin; minus strand), LOC102723566 (uncharacterized LOC102723566; plus strand). Cytogenetic location: 9q34.11.
Variant type: Deletion.
Coding change: c.1157del on transcript NM_001114753.3 (MANE Select); coding-DNA position 1157, one base deleted (G; older notation c.1157delG).
Protein change: p.Gly386fs; shifts the reading frame from glycine 386.
Molecular consequence: frameshift variant.
Genome position (GRCh38, 1-based): chr9:127,820,015, C deleted on the plus strand (G on the coding strand, the reverse complement: ENG is on the minus strand); the first of 3 consecutive C bases (chr9:127,820,015-127,820,017); deleting any one gives the same sequence. VCF-style (leftmost placement, unchanged base first): chr9-127820014-GC-G. GRCh37 (hg19) VCF-style: chr9-130582293-GC-G.
Other names: c.1157del, p.Gly386fs (NM_000118.4); c.611del, p.Gly204fs (NM_001278138.2); short protein forms G386fs, G204fs.
Identifiers: ClinVar variation 3651563 (VCV003651563.2).
Genomic context (GRCh38, chr9:127,820,014, plus strand): 5'-GCGCAAGACAAACTTGTCACCCCTGTCCTCTGCCTCACAGCTGGGGTCCCAGAAGGTCAG[GC>G]CCGTGATGGTGCACTTCAAATGCTGGGTCGGAAGAGAGGGGCACCATCAGGAGGCACTGG-3'

ClinVar aggregate classification (germline): Pathogenic (1 of 4 stars; one submission).

Conditions:
Hereditary hemorrhagic telangiectasia (HHT). Also called: ORW DISEASE; Osler Weber Rendu syndrome; OSLER-RENDU-WEBER DISEASE; Osler hemorrhagic telangiectasia syndrome. Identifiers: Orphanet 774, MedGen C0039445, MONDO:0019180. Disease mechanism: loss of function.

Submission:

Labcorp Genetics (formerly Invitae), Labcorp
Classification: Pathogenic for Hereditary hemorrhagic telangiectasia. Last evaluated: 2024-04-29. Review status: criteria provided, single submitter. Criteria: Invitae Variant Classification Sherloc (09022015). Collection method: clinical testing. Allele origin: germline.
Comment: This sequence change creates a premature translational stop signal (p.Gly386Alafs*2) in the ENG gene. It is expected to result in an absent or disrupted protein product. Loss-of-function variants in ENG are known to be pathogenic (PMID: 15879500). This variant is not present in population databases (gnomAD no frequency). This variant has not been reported in the literature in individuals affected with ENG-related conditions. For these reasons, this variant has been classified as Pathogenic.

Literature cited by the submitters: PubMed 15879500.